The following is an entry in ClinVar:

NM_002055.5(GFAP):c.983T>C (p.Leu328Pro)

Gene: GFAP (glial fibrillary acidic protein; minus strand). Cytogenetic location: 17q21.31.
Variant type: single nucleotide variant.
Coding change: c.983T>C on transcript NM_002055.5 (MANE Select); coding-DNA position 983, T replaced by C.
Protein change: p.Leu328Pro; replaces leucine 328 with proline.
Molecular consequence: missense variant.
Genome position (GRCh38, 1-based): chr17:44,911,380, A>G on the plus strand (T>C on the coding strand, the complement: GFAP is on the minus strand). VCF-style: chr17-44911380-A-G. GRCh37 (hg19) VCF-style: chr17-42988748-A-G.
Other names: c.983T>C, p.Leu328Pro (NM_001131019.3, NM_001242376.3, NM_001363846.2); short protein forms L328P.
Identifiers: ClinVar variation 2067750 (VCV002067750.4), dbSNP rs2508934040, ClinGen allele CA399844187.

ClinVar aggregate classification (germline): Uncertain significance (1 of 4 stars; one submission).

Submission:

Labcorp Genetics (formerly Invitae), Labcorp
Classification: Uncertain significance. Last evaluated: 2021-12-31. Review status: criteria provided, single submitter. Criteria: Invitae Variant Classification Sherloc (09022015). Collection method: clinical testing. Allele origin: germline.
Comment: Algorithms developed to predict the effect of missense changes on protein structure and function are either unavailable or do not agree on the potential impact of this missense change (SIFT: "Deleterious"; PolyPhen-2: "Probably Damaging"; Align-GVGD: "Class C0"). This variant has not been reported in the literature in individuals affected with GFAP-related conditions. This variant is not present in population databases (gnomAD no frequency). This sequence change replaces leucine, which is neutral and non-polar, with proline, which is neutral and non-polar, at codon 328 of the GFAP protein (p.Leu328Pro). In summary, the available evidence is currently insufficient to determine the role of this variant in disease. Therefore, it has been classified as a Variant of Uncertain Significance.